The following is an entry in ClinVar:

NM_017654.4(SAMD9):c.299C>T (p.Thr100Ile)

Gene: SAMD9 (sterile alpha motif domain containing 9; minus strand). Cytogenetic location: 7q21.2.
Variant type: single nucleotide variant.
Coding change: c.299C>T on transcript NM_017654.4 (MANE Select); coding-DNA position 299, C replaced by T.
Protein change: p.Thr100Ile; replaces threonine 100 with isoleucine.
Molecular consequence: missense variant.
Genome position (GRCh38, 1-based): chr7:93,105,799, G>A on the plus strand (C>T on the coding strand, the complement: SAMD9 is on the minus strand). VCF-style: chr7-93105799-G-A. GRCh37 (hg19) VCF-style: chr7-92735112-G-A.
Other names: c.299C>T, p.Thr100Ile (NM_001193307.2); short protein forms T100I.
Identifiers: ClinVar variation 3792044 (VCV003792044.1).

ClinVar aggregate classification (germline): Uncertain significance (1 of 4 stars; one submission).

Conditions:
Inborn genetic diseases. Identifiers: MedGen C0950123, MeSH D030342.

Submission:

Ambry Genetics
Classification: Uncertain significance for Inborn genetic diseases. Last evaluated: 2025-02-02. Review status: criteria provided, single submitter. Criteria: Ambry Variant Classification Scheme 2023. Collection method: clinical testing. Allele origin: germline.
Comment: The p.T100I variant (also known as c.299C>T), located in coding exon 1 of the SAMD9 gene, results from a C to T substitution at nucleotide position 299. The threonine at codon 100 is replaced by isoleucine, an amino acid with similar properties. This amino acid position is conserved. In addition, this alteration is predicted to be tolerated by in silico analysis. Based on the available evidence, the clinical significance of this variant remains unclear.